The following is an entry in ClinVar:

ClinVar aggregate classification (germline): Uncertain significance (1 of 4 stars; one submission).

Submission:

Labcorp Genetics (formerly Invitae), Labcorp
Classification: Uncertain significance. Last evaluated: 2022-11-08. Review status: criteria provided, single submitter. Criteria: Invitae Variant Classification Sherloc (09022015). Collection method: clinical testing. Allele origin: germline.
Comment: Variants that disrupt the consensus splice site are a relatively common cause of aberrant splicing (PMID: 17576681, 9536098). Algorithms developed to predict the effect of sequence changes on RNA splicing suggest that this variant is not likely to affect RNA splicing. This variant has not been reported in the literature in individuals affected with CCT2-related conditions. This variant is not present in population databases (gnomAD no frequency). This sequence change falls in intron 10 of the CCT2 gene. It does not directly change the encoded amino acid sequence of the CCT2 protein. It affects a nucleotide within the consensus splice site. In summary, the available evidence is currently insufficient to determine the role of this variant in disease. Therefore, it has been classified as a Variant of Uncertain Significance.

Literature cited by the submitters: PubMed 17576681; PubMed 9536098.

NM_006431.3(CCT2):c.982+4T>C

Gene: CCT2 (chaperonin containing TCP1 subunit 2; plus strand). Cytogenetic location: 12q15.
Variant type: single nucleotide variant.
Coding change: c.982+4T>C on transcript NM_006431.3 (MANE Select); 4 bases into the intron after coding-DNA position 982, T replaced by C.
Molecular consequence: intron variant.
Genome position (GRCh38, 1-based): chr12:69,593,617, T>C. VCF-style: chr12-69593617-T-C. GRCh37 (hg19) VCF-style: chr12-69987397-T-C.
Other names: c.841+4T>C (NM_001198842.2).
Identifiers: ClinVar variation 2060482 (VCV002060482.4), dbSNP rs2499001653, ClinGen allele CA2580086666.